The following is an entry in ClinVar:

ClinVar aggregate classification (germline): Conflicting classifications of pathogenicity. Review status: criteria provided, conflicting classifications (1 of 4 stars). 3 submissions from 3 submitters: Uncertain significance (2); Likely benign (1). Last evaluated 2025-06-05.

Conditions:
MARS1-related disorder. Also called: MARS1-related condition.
Severe early-onset pulmonary alveolar proteinosis due to MARS deficiency. Also called: PULMONARY ALVEOLAR PROTEINOSIS, REUNION ISLAND; Interstitial lung and liver disease. Identifiers: Orphanet 440427, MedGen C4225400, MONDO:0014206, OMIM 615486.
Charcot-Marie-Tooth disease axonal type 2U. Also called: CHARCOT-MARIE-TOOTH NEUROPATHY, TYPE 2U; CHARCOT-MARIE-TOOTH DISEASE, AXONAL, AUTOSOMAL DOMINANT, TYPE 2U. Identifiers: Orphanet 397735, MedGen C4084821, MONDO:0014566, OMIM 616280.

Allele frequency attached by ClinVar (database versions not stated): gnomAD exomes 0.00005; ExAC 0.00006; gnomAD 0.00006; TOPMed 0.00007; ESP Exome Variant Server 0.00008; 1000 Genomes Project 0.00040; 1000 Genomes Project 30x 0.00047.
gnomAD v4.1: 53 of 1,614,192 alleles (0.0033%); highest among the groups gnomAD compares: Admixed American, 0.025%; no homozygotes.

Submissions (3):

PreventionGenetics, part of Exact Sciences
Classification: Uncertain significance for MARS1-related condition. Last evaluated: 2025-06-05. Review status: criteria provided, single submitter. Criteria: ACMG Guidelines, 2015. Collection method: clinical testing. Allele origin: germline.
Comment: The MARS1 c.1813G>A variant is predicted to result in the amino acid substitution p.Asp605Asn. To our knowledge, this variant has not been reported in the literature. This variant is reported in 0.060% of alleles in individuals of Ashkenazi Jewish descent in gnomAD. Although we suspect that this variant may be benign, at this time, the clinical significance of this variant is uncertain due to the absence of conclusive functional and genetic evidence.

Labcorp Genetics (formerly Invitae), Labcorp
Classification: Uncertain significance for Charcot-Marie-Tooth disease axonal type 2U; Severe early-onset pulmonary alveolar proteinosis due to MARS deficiency. Last evaluated: 2025-04-02. Review status: criteria provided, single submitter. Criteria: Invitae Variant Classification Sherloc (09022015). Collection method: clinical testing. Allele origin: germline.
Comment: This sequence change replaces aspartic acid, which is acidic and polar, with asparagine, which is neutral and polar, at codon 605 of the MARS protein (p.Asp605Asn). This variant is present in population databases (rs139600659, gnomAD 0.05%). This variant has not been reported in the literature in individuals affected with MARS-related conditions. ClinVar contains an entry for this variant (Variation ID: 568199). An algorithm developed to predict the effect of missense changes on protein structure and function (PolyPhen-2) suggests that this variant is likely to be tolerated. In summary, the available evidence is currently insufficient to determine the role of this variant in disease. Therefore, it has been classified as a Variant of Uncertain Significance.

Ambry Genetics
Classification: Likely benign. Last evaluated: 2020-03-17. Review status: criteria provided, single submitter. Criteria: Ambry Variant Classification Scheme 2023. Collection method: clinical testing. Allele origin: germline.

NM_004990.4(MARS1):c.1813G>A (p.Asp605Asn)

Gene: MARS1 (methionyl-tRNA synthetase 1; plus strand). Cytogenetic location: 12q13.3.
Variant type: single nucleotide variant.
Coding change: c.1813G>A on transcript NM_004990.4 (MANE Select); coding-DNA position 1813, G replaced by A.
Protein change: p.Asp605Asn; replaces aspartic acid 605 with asparagine.
Molecular consequence: missense variant.
Genome position (GRCh38, 1-based): chr12:57,512,810, G>A. VCF-style: chr12-57512810-G-A. GRCh37 (hg19) VCF-style: chr12-57906593-G-A.
Other names: short protein forms D605N.
Identifiers: ClinVar variation 568199 (VCV000568199.13), dbSNP rs139600659, ClinGen allele CA6650629.